The following is an entry in ClinVar:

NM_000062.3(SERPING1):c.279G>A (p.Glu93=)

Gene: SERPING1 (serpin family G member 1; plus strand). Cytogenetic location: 11q12.1.
Variant type: single nucleotide variant.
Coding change: c.279G>A on transcript NM_000062.3 (MANE Select); coding-DNA position 279, G replaced by A.
Protein change: p.Glu93=; no amino-acid change (glutamic acid 93 retained).
Molecular consequence: synonymous variant.
Genome position (GRCh38, 1-based): chr11:57,600,106, G>A. VCF-style: chr11-57600106-G-A. GRCh37 (hg19) VCF-style: chr11-57367579-G-A.
Other names: c.279G>A, p.Glu93= (NM_001032295.2).
Identifiers: ClinVar variation 403429 (VCV000403429.15), dbSNP rs778803626, ClinGen allele CA6008013.

ClinVar aggregate classification (germline): Likely benign. Review status: criteria provided, multiple submitters, no conflicts (2 of 4 stars). 5 submissions from 5 submitters: Likely benign (5). Last evaluated 2026-01-29.

Conditions:
Inborn genetic diseases. Identifiers: MedGen C0950123, MeSH D030342.

Allele frequency attached by ClinVar (database versions not stated): ExAC 0.00003; gnomAD 0.00006 and 0.00008; gnomAD exomes 0.00006 and 0.00008; TOPMed 0.00006.

Submissions (5):

Labcorp Genetics (formerly Invitae), Labcorp
Classification: Likely benign. Last evaluated: 2026-01-29. Review status: criteria provided, single submitter. Criteria: Invitae Variant Classification Sherloc (09022015). Collection method: clinical testing. Allele origin: germline.

Blueprint Genetics
Classification: Likely benign. Last evaluated: 2024-05-06. Review status: criteria provided, single submitter. Criteria: ACMG Guidelines, 2015. Collection method: clinical testing. Allele origin: germline.

Ambry Genetics
Classification: Likely benign for Inborn genetic diseases. Last evaluated: 2022-05-15. Review status: criteria provided, single submitter. Criteria: Ambry Variant Classification Scheme 2023. Collection method: clinical testing. Allele origin: germline.

Laboratory for Molecular Medicine, Mass General Brigham Personalized Medicine
Classification: Likely benign. Last evaluated: 2016-03-28. Review status: criteria provided, single submitter. Criteria: LMM Criteria. Collection method: clinical testing. Allele origin: germline.
Comment: Variant identified in a genome or exome case(s) and assessed due to predicted null impact of the variant or pathogenic assertions in the literature or databases. Disclaimer: This variant has not undergone full assessment. The following are preliminary notes: Silent variant not in splice consensus, gene associated with hereditary angioedma

Breakthrough Genomics
Classification: Likely benign. Review status: criteria provided, single submitter. Criteria: ACMG Guidelines, 2015. Collection method: not provided. Allele origin: germline. Inheritance: Autosomal recessive inheritance. Affected: yes.